The following is an entry in ClinVar:

NM_033028.5(BBS4):c.832A>T (p.Met278Leu)

Gene: BBS4 (Bardet-Biedl syndrome 4; plus strand). Cytogenetic location: 15q24.1.
Variant type: single nucleotide variant.
Coding change: c.832A>T on transcript NM_033028.5 (MANE Select); coding-DNA position 832, A replaced by T.
Protein change: p.Met278Leu; replaces methionine 278 with leucine.
Molecular consequence: missense variant. On other transcripts: non-coding transcript variant (2).
Genome position (GRCh38, 1-based): chr15:72,731,425, A>T. VCF-style: chr15-72731425-A-T. GRCh37 (hg19) VCF-style: chr15-73023766-A-T.
Other names: c.316A>T, p.Met106Leu (NM_001252678.2); c.763A>T, p.Met255Leu (NM_001320665.2); short protein forms M255L, M278L, M106L.
Identifiers: ClinVar variation 4990570 (VCV004990570.1).

ClinVar aggregate classification (germline): Uncertain significance (1 of 4 stars; one submission).

Conditions:
BBS4-related disorder. Also called: BBS4-related condition.

gnomAD v4.1: 7 of 1,614,048 alleles (0.00043%); highest among the groups gnomAD compares: African/African-American, 0.0013%; no homozygotes.

Submission:

PreventionGenetics, part of Exact Sciences
Classification: Uncertain significance for BBS4-related condition. Last evaluated: 2025-05-28. Review status: criteria provided, single submitter. Criteria: ACMG Guidelines, 2015. Collection method: clinical testing. Allele origin: germline.
Comment: The BBS4 c.832A>T variant is predicted to result in the amino acid substitution p.Met278Leu. To our knowledge, this variant has not been reported in the literature. This variant is reported in 0.00088% of alleles in individuals of European (Non-Finnish) descent in gnomAD. At this time, the clinical significance of this variant is uncertain due to the absence of conclusive functional and genetic evidence.